The following is an entry in ClinVar:

ClinVar aggregate classification (germline): Uncertain significance (1 of 4 stars; one submission).

Submission:

Labcorp Genetics (formerly Invitae), Labcorp
Classification: Uncertain significance. Last evaluated: 2022-08-31. Review status: criteria provided, single submitter. Criteria: Invitae Variant Classification Sherloc (09022015). Collection method: clinical testing. Allele origin: germline.
Comment: This sequence change replaces asparagine, which is neutral and polar, with histidine, which is basic and polar, at codon 398 of the TTC37 protein (p.Asn398His). This variant is not present in population databases (gnomAD no frequency). This variant has not been reported in the literature in individuals affected with TTC37-related conditions. Algorithms developed to predict the effect of missense changes on protein structure and function (SIFT, PolyPhen-2, Align-GVGD) all suggest that this variant is likely to be tolerated. In summary, the available evidence is currently insufficient to determine the role of this variant in disease. Therefore, it has been classified as a Variant of Uncertain Significance.

NM_014639.4(SKIC3):c.1192A>C (p.Asn398His)

Gene: SKIC3 (SKI3 subunit of superkiller complex; minus strand). Cytogenetic location: 5q15.
Variant type: single nucleotide variant.
Coding change: c.1192A>C on transcript NM_014639.4 (MANE Select); coding-DNA position 1192, A replaced by C.
Protein change: p.Asn398His; replaces asparagine 398 with histidine.
Molecular consequence: missense variant.
Genome position (GRCh38, 1-based): chr5:95,525,616, T>G on the plus strand (A>C on the coding strand, the complement: SKIC3 is on the minus strand). VCF-style: chr5-95525616-T-G. GRCh37 (hg19) VCF-style: chr5-94861320-T-G.
Other names: short protein forms N398H.
Identifiers: ClinVar variation 1971162 (VCV001971162.5), dbSNP rs2112339376, ClinGen allele CA360464862.